The following is an entry in ClinVar:

NM_001113378.2(FANCI):c.1305G>A (p.Met435Ile)

Gene: FANCI (FA complementation group I; plus strand). Cytogenetic location: 15q26.1.
Variant type: single nucleotide variant.
Coding change: c.1305G>A on transcript NM_001113378.2 (MANE Select); coding-DNA position 1305, G replaced by A.
Protein change: p.Met435Ile; replaces methionine 435 with isoleucine.
Molecular consequence: missense variant.
Genome position (GRCh38, 1-based): chr15:89,278,698, G>A. VCF-style: chr15-89278698-G-A. GRCh37 (hg19) VCF-style: chr15-89821929-G-A.
Other names: c.1026G>A, p.Met342Ile (NM_001376910.1); c.1305G>A, p.Met435Ile (NM_001376911.1, NM_018193.3); short protein forms M342I, M435I.
Identifiers: ClinVar variation 845551 (VCV000845551.9), dbSNP rs1390853875, ClinGen allele CA393743121.

ClinVar aggregate classification (germline): Uncertain significance. Review status: criteria provided, multiple submitters, no conflicts (2 of 4 stars). 2 submissions from 2 submitters: Uncertain significance (2). Last evaluated 2024-07-22.

Conditions:
Fanconi anemia (FA). Also called: Fanconi's anemia. Identifiers: Orphanet 84, MedGen C0015625, MeSH D005199, MONDO:0019391.
Fanconi anemia complementation group I (FANCI). Also called: FANCI-Related Fanconi Anemia. Identifiers: Orphanet 84, MedGen C1836861, MONDO:0012186, OMIM 609053.

Allele frequency attached by ClinVar (database versions not stated): gnomAD 0.00001; gnomAD exomes 0.00002 and 0.00005; TOPMed 0.00002.

Submissions (2):

Labcorp Genetics (formerly Invitae), Labcorp
Classification: Uncertain significance for Fanconi anemia. Last evaluated: 2024-07-22. Review status: criteria provided, single submitter. Criteria: Invitae Variant Classification Sherloc (09022015). Collection method: clinical testing. Allele origin: germline.
Comment: This sequence change replaces methionine, which is neutral and non-polar, with isoleucine, which is neutral and non-polar, at codon 435 of the FANCI protein (p.Met435Ile). This variant is present in population databases (no rsID available, gnomAD 0.004%). This variant has not been reported in the literature in individuals affected with FANCI-related conditions. ClinVar contains an entry for this variant (Variation ID: 845551). Advanced modeling of protein sequence and biophysical properties (such as structural, functional, and spatial information, amino acid conservation, physicochemical variation, residue mobility, and thermodynamic stability) performed at Invitae indicates that this missense variant is not expected to disrupt FANCI protein function with a negative predictive value of 80%. Algorithms developed to predict the effect of sequence changes on RNA splicing suggest that this variant may disrupt the consensus splice site. In summary, the available evidence is currently insufficient to determine the role of this variant in disease. Therefore, it has been classified as a Variant of Uncertain Significance.

Fulgent Genetics
Classification: Uncertain significance for Fanconi anemia complementation group I. Last evaluated: 2021-07-02. Review status: criteria provided, single submitter. Criteria: ACMG Guidelines, 2015. Collection method: clinical testing. Allele origin: unknown.